The following is an entry in ClinVar:

ClinVar aggregate classification (germline): Uncertain significance. Review status: criteria provided, multiple submitters, no conflicts (2 of 4 stars). 3 submissions from 3 submitters: Uncertain significance (3). Last evaluated 2025-09-24.

Conditions:
Hereditary cancer-predisposing syndrome. Also called: Neoplastic Syndromes, Hereditary; Hereditary neoplastic syndrome; Tumor predisposition; Hereditary Cancer Syndrome. Identifiers: Orphanet 140162, MedGen C0027672, MeSH D009386, MONDO:0015356.
Tuberous sclerosis 1 (TSC1). Identifiers: Orphanet 805, MedGen C1854465, MONDO:0008612, OMIM 191100.
Tuberous sclerosis syndrome (TSC). Also called: Tuberous Sclerosis Complex; Tuberous sclerosis. Identifiers: Orphanet 805, MedGen C0041341, MONDO:0001734.

Submissions (3):

Ambry Genetics
Classification: Uncertain significance for Hereditary cancer-predisposing syndrome. Last evaluated: 2025-09-24. Review status: criteria provided, single submitter. Criteria: Ambry Variant Classification Scheme 2023. Collection method: clinical testing. Allele origin: germline.
Comment: The c.1182_1190dupTCCTCCTCC variant (also known as p.P395_P397dup), located in coding exon 10 of the TSC1 gene, results from an in-frame duplication of TCCTCCTCC at nucleotide positions 1182 to 1190. This results in the duplication of 3 extra residues (PPP) between codons 395 and 397. This amino acid region is highly conserved in available vertebrate species. In addition, this variant is predicted to be neutral by in silico analysis (Choi Y et al. PLoS ONE. 2012; 7(10):e46688). Based on the available evidence, the clinical significance of this variant remains unclear.

Labcorp Genetics (formerly Invitae), Labcorp
Classification: Uncertain significance for Tuberous sclerosis 1. Last evaluated: 2024-06-03. Review status: criteria provided, single submitter. Criteria: Invitae Variant Classification Sherloc (09022015). Collection method: clinical testing. Allele origin: germline.
Comment: This variant, c.1182_1190dup, results in the insertion of 3 amino acid(s) of the TSC1 protein (p.Pro395_Pro397dup), but otherwise preserves the integrity of the reading frame. This variant is not present in population databases (gnomAD no frequency). This variant has not been reported in the literature in individuals affected with TSC1-related conditions. ClinVar contains an entry for this variant (Variation ID: 839479). Experimental studies and prediction algorithms are not available or were not evaluated, and the functional significance of this variant is currently unknown. In summary, the available evidence is currently insufficient to determine the role of this variant in disease. Therefore, it has been classified as a Variant of Uncertain Significance.

All of Us Research Program, National Institutes of Health
Classification: Uncertain significance for Tuberous sclerosis syndrome. Last evaluated: 2023-11-30. Review status: criteria provided, single submitter. Criteria: ACMG Guidelines, 2015. Collection method: clinical testing. Allele origin: germline. Inheritance: Autosomal dominant inheritance. Observed: 1 variant allele, 1 heterozygote.
Comment: This study involves interpretation of variants in research participants for the purpose of population health screening. Participant phenotype was not available at the time of variant classification. Additional details can be found in publication PMID: 35346344, PMCID: PMC8962531

NM_000368.5(TSC1):c.1182TCC[6] (p.Pro395_Pro397dup)

Gene: TSC1 (TSC complex subunit 1; minus strand). Cytogenetic location: 9q34.13.
Variant type: Microsatellite.
Coding change: c.1182TCC[6] on transcript NM_000368.5 (MANE Select); six copies in a row of the 3-base unit TCC starting at c.1182; the reference has three copies in a row; three copies, 9 bases duplicated.
Protein change: p.Pro395_Pro397dup.
Molecular consequence: inframe insertion.
Genome position (GRCh38, 1-based): chr9:132,910,644-132,910,652, GGAGGAGGA duplicated on the plus strand (TCCTCCTCC on the coding strand, the reverse complement: TSC1 is on the minus strand); duplicating any 9 consecutive bases within chr9:132,910,644-132,910,653 gives the same sequence; the position shown is the placement nearest the transcript's 3' end. VCF-style (leftmost placement, unchanged base first): chr9-132910643-T-TGGAGGAGGA. GRCh37 (hg19) VCF-style: chr9-135786030-T-TGGAGGAGGA.
Other names: c.1182_1190dupTCCTCCTCC (NM_000368.4); c.1179TCC[6], p.Pro394_Pro396dup (NM_001162426.2); c.1029TCC[6], p.Pro344_Pro346dup (NM_001162427.2); c.819TCC[6], p.Pro274_Pro276dup (NM_001362177.2).
Identifiers: ClinVar variation 839479 (VCV000839479.11), dbSNP rs1845904104, ClinGen allele CA916081572.